The following is an entry in ClinVar:

ClinVar aggregate classification (germline): Likely pathogenic (0 of 4 stars; one submission).

Conditions:
FLT4-related disorder. Also called: FLT4-related condition.

Submission:

PreventionGenetics, part of Exact Sciences
Classification: Likely pathogenic for FLT4-related condition. Last evaluated: 2024-06-27. Review status: no assertion criteria provided. Collection method: clinical testing. Allele origin: germline.
Comment: The FLT4 c.3103C>T variant is predicted to result in the amino acid substitution p.His1035Tyr. To our knowledge, this variant has not been reported in the literature or in a large population database, indicating this variant is rare. At PreventionGenetics, this variant was found to segregate with disease in members of a family with clinical features consistent with a diagnosis of Milroy's disease (Internal Data). Different missense changes impacting the same amino acid (p.His1035Arg and p.His1035Gln) have been reported in individuals with congenital lymphedema, indicating that the p.His1035 residue is important for FLT4 function (Irrthum et al. 2000. PubMed ID: 10856194; de novo, Ghalamkarpour et al. 2006. PubMed ID: 16965327). Taken together, this variant is interpreted as likely pathogenic.

NM_182925.5(FLT4):c.3103C>T (p.His1035Tyr)

Gene: FLT4 (fms related receptor tyrosine kinase 4; minus strand). Cytogenetic location: 5q35.3.
Variant type: single nucleotide variant.
Coding change: c.3103C>T on transcript NM_182925.5 (MANE Select); coding-DNA position 3103, C replaced by T.
Protein change: p.His1035Tyr; replaces histidine 1035 with tyrosine.
Molecular consequence: missense variant.
Genome position (GRCh38, 1-based): chr5:180,616,483, G>A on the plus strand (C>T on the coding strand, the complement: FLT4 is on the minus strand). VCF-style: chr5-180616483-G-A. GRCh37 (hg19) VCF-style: chr5-180043483-G-A.
Other names: c.3103C>T, p.His1035Tyr (NM_001354989.2, NM_002020.5); short protein forms H1035Y.
Identifiers: ClinVar variation 3356090 (VCV003356090.1).